The following is an entry in ClinVar:

ClinVar aggregate classification (germline): Uncertain significance (1 of 4 stars; one submission).

Submission:

Ambry Genetics
Classification: Uncertain significance. Last evaluated: 2025-05-08. Review status: criteria provided, single submitter. Criteria: Ambry Variant Classification Scheme 2023. Collection method: clinical testing. Allele origin: germline.
Comment: The p.G827S variant (also known as c.2479G>A), located in coding exon 6 of the CDK12 gene, results from a G to A substitution at nucleotide position 2479. The glycine at codon 827 is replaced by serine, an amino acid with similar properties. This amino acid position is conserved. In addition, the in silico prediction for this alteration is inconclusive. Based on the available evidence, the clinical significance of this variant remains unclear.

NM_016507.4(CDK12):c.2479G>A (p.Gly827Ser)

Gene: CDK12 (cyclin dependent kinase 12; plus strand). Cytogenetic location: 17q12.
Variant type: single nucleotide variant.
Coding change: c.2479G>A on transcript NM_016507.4 (MANE Select); coding-DNA position 2479, G replaced by A.
Protein change: p.Gly827Ser; replaces glycine 827 with serine.
Molecular consequence: missense variant.
Genome position (GRCh38, 1-based): chr17:39,501,309, G>A. VCF-style: chr17-39501309-G-A. GRCh37 (hg19) VCF-style: chr17-37657562-G-A.
Other names: c.2479G>A, p.Gly827Ser (NM_015083.4); short protein forms G827S.
Identifiers: ClinVar variation 3999434 (VCV003999434.1).